The following is an entry in ClinVar:

ClinVar aggregate classification (germline): Uncertain significance. Review status: criteria provided, multiple submitters, no conflicts (2 of 4 stars). 2 submissions from 2 submitters: Uncertain significance (2). Last evaluated 2026-03-04.

Conditions:
Neurodevelopmental disorder with hypotonia, brain anomalies, distinctive facies, and absent language. Also called: ReNU SYNDROME; RNU4-2-Related Neurodevelopmental Disorder; RNU4-2–Related Autosomal Dominant Neurodevelopmental Disorder. Identifiers: Orphanet 686488, MedGen C5935628, MONDO:0971172, OMIM 620851.
Neurodevelopmental disorder. Identifiers: MedGen C1535926, MeSH D065886, MONDO:0700092.

Submissions (2):

Broad Center for Mendelian Genomics, Broad Institute of MIT and Harvard
Classification: Uncertain significance for Neurodevelopmental disorder. Last evaluated: 2026-03-04. Review status: criteria provided, single submitter. Criteria: ACMG Guidelines, 2015. Collection method: research. Allele origin: germline. Inheritance: Autosomal recessive inheritance. Study: GREGoR Consortium.
Comment: The n.23G>A variant in RNU4-2 has been reported in the compound heterozygous and homozygous state in 3 individuals with autosomal recessive neurodevelopmental disorder (Nicky Whiffin, personal communication). The variant was also identified by trio genome sequencing, in the compound heterozygous state with a variant of uncertain significance (n.129G>C), in a child with congenital hydrocephalus, unilateral periventricular cystic changes on MRI, global developmental delay, failure to thrive, hypotonia, and a known TPM3 pathogenic variant (Broad Institute Rare Genomes Project). It has also been identified in 0.03% (13/41518) of African/African American chromosomes by gnomAD. Furthermore, although this gene has been reported in association with autosomal dominant neurodevelopment disorder, it currently has moderate evidence for recessive disease. In summary, the clinical significance of this variant is uncertain.

Centre for Population Genomics, CPG
Classification: Uncertain significance for RNU4-2-Related Neurodevelopmental Disorder. Last evaluated: 2026-02-11. Review status: criteria provided, single submitter. Criteria: Ellingford et al. (Genome Med. 2022). Collection method: research. Allele origin: germline. Inheritance: Autosomal recessive inheritance. Affected: yes. Observed: 2 variant alleles, 2 compound heterozygotes.
Comment: PM2_supp

NR_003137.3(RNU4-2):n.23G>A

Genes: RNU4-2 (RNA, U4 small nuclear 2; minus strand), SIRT4 (sirtuin 4; plus strand). Cytogenetic location: 12q24.23.
Variant type: single nucleotide variant.
Molecular consequence: non-coding transcript variant (on NR_003137.3).
Genome position: GRCh38 VCF-style: chr12-120291881-C-T. GRCh37 (hg19) VCF-style: chr12-120729684-C-T.
Other names: NM_001385735.1:c.-1063C>T.
Identifiers: ClinVar variation 4795811 (VCV004795811.2).